The following is an entry in ClinVar:

NM_152703.5(SAMD9L):c.1248G>T (p.Trp416Cys)

Gene: SAMD9L (sterile alpha motif domain containing 9 like; minus strand). Cytogenetic location: 7q21.2.
Variant type: single nucleotide variant.
Coding change: c.1248G>T on transcript NM_152703.5 (MANE Select); coding-DNA position 1248, G replaced by T.
Protein change: p.Trp416Cys; replaces tryptophan 416 with cysteine.
Molecular consequence: missense variant.
Genome position (GRCh38, 1-based): chr7:93,134,724, C>A on the plus strand (G>T on the coding strand, the complement: SAMD9L is on the minus strand). VCF-style: chr7-93134724-C-A. GRCh37 (hg19) VCF-style: chr7-92764037-C-A.
Other names: c.1248G>T, p.Trp416Cys (NM_001303496.3, NM_001303497.3, NM_001303498.3 and 5 more transcripts); short protein forms W416C.
Identifiers: ClinVar variation 3792462 (VCV003792462.1).

ClinVar aggregate classification (germline): Uncertain significance (1 of 4 stars; one submission).

Conditions:
Inborn genetic diseases. Identifiers: MedGen C0950123, MeSH D030342.

Submission:

Ambry Genetics
Classification: Uncertain significance for Inborn genetic diseases. Last evaluated: 2025-02-27. Review status: criteria provided, single submitter. Criteria: Ambry Variant Classification Scheme 2023. Collection method: clinical testing. Allele origin: germline.
Comment: The p.W416C variant (also known as c.1248G>T), located in coding exon 1 of the SAMD9L gene, results from a G to T substitution at nucleotide position 1248. The tryptophan at codon 416 is replaced by cysteine, an amino acid with highly dissimilar properties. This amino acid position is conserved. In addition, this alteration is predicted to be tolerated by in silico analysis. Based on the available evidence, the clinical significance of this variant remains unclear.